The following is an entry in ClinVar:

ClinVar aggregate classification (germline): Benign (1 of 4 stars; one submission).

Allele frequency attached by ClinVar (database versions not stated): 1000 Genomes Project 30x 0.59463; 1000 Genomes Project 0.59585; TOPMed 0.61611; ExAC 0.62367; gnomAD 0.62561; ESP Exome Variant Server 0.62671; gnomAD exomes 0.64646.
gnomAD v4.1: 1,025,380 of 1,593,676 alleles (64%); highest among the groups gnomAD compares: Non-Finnish European, 66%; 331,589 homozygotes.

Submission:

Unidad de Genómica Garrahan, Hospital de Pediatría Garrahan
Classification: Benign. Last evaluated: 2024-01-24. Review status: criteria provided, single submitter. Criteria: ACMG Guidelines, 2015. Collection method: clinical testing. Allele origin: germline. Affected: no. Observed: 69 variant alleles.
Comment: This variant is classified as Benign based on local population frequency. This variant was detected in 78% of patients studied by a panel of primary immunodeficiencies. Number of patients: 69. Only high quality variants are reported.

NM_001040458.3(ERAP1):c.1760-40G>A

Gene: ERAP1 (endoplasmic reticulum aminopeptidase 1; minus strand). Cytogenetic location: 5q15.
Variant type: single nucleotide variant.
Coding change: c.1760-40G>A on transcript NM_001040458.3 (MANE Select); 40 bases into the intron before coding-DNA position 1760, G replaced by A.
Molecular consequence: intron variant.
Genome position (GRCh38, 1-based): chr5:96,786,011, C>T on the plus strand (G>A on the coding strand, the complement: ERAP1 is on the minus strand). VCF-style: chr5-96786011-C-T. GRCh37 (hg19) VCF-style: chr5-96121715-C-T.
Other names: c.1760-40G>A (NM_001349244.2, NM_016442.5, NM_001198541.3).
Identifiers: ClinVar variation 2688356 (VCV002688356.2), dbSNP rs469758, ClinGen allele CA3352146.